The following is an entry in ClinVar:

ClinVar aggregate classification (germline): Likely pathogenic. Review status: criteria provided, single submitter (1 of 4 stars). 2 submissions from 2 submitters: Likely pathogenic (1). 1 of the submissions does not count toward it. Last evaluated 2022-11-09.

Conditions:
Deficiency of UDPglucose-hexose-1-phosphate uridylyltransferase. Also called: Transferase Deficiency Galactosemia; GALACTOSEMIA I; GALACTOSE-1-PHOSPHATE URIDYLYLTRANSFERASE DEFICIENCY; GALT deficiency; Galactosemia, classic. Identifiers: Orphanet 352, Orphanet 79239, MedGen C0268151, MONDO:0009258, OMIM 230400.

Submissions (2):

Labcorp Genetics (formerly Invitae), Labcorp
Classification: Likely pathogenic for Deficiency of UDPglucose-hexose-1-phosphate uridylyltransferase. Last evaluated: 2022-11-09. Review status: criteria provided, single submitter. Criteria: Invitae Variant Classification Sherloc (09022015). Collection method: clinical testing. Allele origin: germline.
Comment: In summary, the currently available evidence indicates that the variant is pathogenic, but additional data are needed to prove that conclusively. Therefore, this variant has been classified as Likely Pathogenic. Algorithms developed to predict the effect of sequence changes on RNA splicing suggest that this variant may disrupt the consensus splice site. ClinVar contains an entry for this variant (Variation ID: 551158). This variant has not been reported in the literature in individuals affected with GALT-related conditions. This variant is not present in population databases (gnomAD no frequency). This sequence change affects an acceptor splice site in intron 4 of the GALT gene. It is expected to disrupt RNA splicing. Variants that disrupt the donor or acceptor splice site typically lead to a loss of protein function (PMID: 16199547), and loss-of-function variants in GALT are known to be pathogenic (PMID: 22944367).

Counsyl
Classification: Likely pathogenic for Deficiency of UDPglucose-hexose-1-phosphate uridylyltransferase. Last evaluated: 2017-03-17. Review status: no assertion criteria provided. Collection method: clinical testing. Allele origin: unknown. Not counted in ClinVar's aggregate classification.

Literature cited by the submitters: PubMed 16199547 (cited by Labcorp Genetics (formerly Invitae), Labcorp); PubMed 22944367 (cited by Labcorp Genetics (formerly Invitae), Labcorp).

NM_000155.4(GALT):c.378-2A>T

Gene: GALT (galactose-1-phosphate uridylyltransferase; plus strand). Cytogenetic location: 9p13.3.
Variant type: single nucleotide variant.
Coding change: c.378-2A>T on transcript NM_000155.4 (MANE Select); the canonical splice acceptor site of the intron before coding-DNA position 378, A replaced by T.
Molecular consequence: splice acceptor variant.
Genome position (GRCh38, 1-based): chr9:34,647,830, A>T. VCF-style: chr9-34647830-A-T. GRCh37 (hg19) VCF-style: chr9-34647827-A-T.
Other names: c.51-2A>T (NM_001258332.2).
Identifiers: ClinVar variation 551158 (VCV000551158.5), dbSNP rs1554709280, ClinGen allele CA373280510.